The following is an entry in ClinVar:

ClinVar aggregate classification (germline): Benign. Review status: criteria provided, multiple submitters, no conflicts (2 of 4 stars). 5 submissions from 3 submitters: Benign (5). Last evaluated 2021-05-13.

Conditions:
Autosomal recessive nonsyndromic hearing loss 1A (DFNB1A). Also called: GJB6-Related DFNB 1 Nonsyndromic Hearing Loss and Deafness; Deafness, autosomal recessive 1A; Nonsyndromic Hearing Loss and Deafness, DFNB1; GJB2-Related Autosomal Recessive Nonsyndromic Hearing Loss; Connexin 26 deafness; Deafness nonsyndromic, Connexin 26 linked. Identifiers: Orphanet 90636, MedGen C2673759, MONDO:0009076, OMIM 220290.
Ichthyosis, hystrix-like, with hearing loss. Also called: Hystrix-like ichthyosis with deafness. Identifiers: Orphanet 477, MedGen C1865234, MONDO:0011245.
Autosomal dominant nonsyndromic hearing loss 3A. Identifiers: Orphanet 90635, MedGen C2675750, MONDO:0011103, OMIM 601544.

Allele frequency attached by ClinVar (database versions not stated): TOPMed 0.03878; 1000 Genomes Project 0.02895; gnomAD 0.03992 and 0.03989; 1000 Genomes Project 30x 0.02842.

Submissions (5):

GeneDx
Classification: Benign. Last evaluated: 2021-05-13. Review status: criteria provided, single submitter. Criteria: GeneDx Variant Classification Process June 2021. Collection method: clinical testing. Allele origin: germline. Affected: yes.

Illumina Laboratory Services, Illumina
Classification: Benign for Autosomal recessive nonsyndromic hearing loss 1A. Last evaluated: 2017-04-27. Review status: criteria provided, single submitter. Criteria: ICSL Variant Classification Criteria 13 December 2019. Collection method: clinical testing. Allele origin: germline.
Comment: This variant was observed as part of a predisposition screen in an ostensibly healthy population. A literature search was performed for the gene, cDNA change, and amino acid change (where applicable). No publications were found based on this search. Allele frequency data from public databases was too high to be consistent with this variant causing disease. Therefore, this variant is classified as benign.

Illumina Laboratory Services, Illumina
Classification: Benign for Autosomal dominant nonsyndromic hearing loss 3A. Last evaluated: 2017-04-27. Review status: criteria provided, single submitter. Criteria: ICSL Variant Classification Criteria 13 December 2019. Collection method: clinical testing. Allele origin: germline.
Comment: the same text as in the submission from Illumina Laboratory Services, Illumina above.

Illumina Laboratory Services, Illumina
Classification: Benign for Autosomal dominant keratitis-ichthyosis-hearing loss syndrome. Last evaluated: 2017-04-27. Review status: criteria provided, single submitter. Criteria: ICSL Variant Classification Criteria 13 December 2019. Collection method: clinical testing. Allele origin: germline.
Comment: the same text as in the submission from Illumina Laboratory Services, Illumina above.

Breakthrough Genomics
Classification: Benign. Review status: criteria provided, single submitter. Criteria: ACMG Guidelines, 2015. Collection method: not provided. Allele origin: germline. Inheritance: Autosomal recessive inheritance. Affected: yes.

NM_004004.6(GJB2):c.*931C>T

Gene: GJB2 (gap junction protein beta 2; minus strand). Cytogenetic location: 13q12.11.
Variant type: single nucleotide variant.
Coding change: c.*931C>T on transcript NM_004004.6 (MANE Select); 931 bases downstream of the stop codon, C replaced by T.
Molecular consequence: 3 prime UTR variant.
Genome position (GRCh38, 1-based): chr13:20,187,970, G>A on the plus strand (C>T on the coding strand, the complement: GJB2 is on the minus strand). VCF-style: chr13-20187970-G-A. GRCh37 (hg19) VCF-style: chr13-20762109-G-A.
Identifiers: ClinVar variation 311361 (VCV000311361.7), dbSNP rs5030700, ClinGen allele CA10643939.